The following is an entry in ClinVar:

ClinVar aggregate classification (germline): Pathogenic (1 of 4 stars; one submission).

Conditions:
Arthrogryposis multiplex congenita 4, neurogenic, with agenesis of the corpus callosum. Also called: ZAIN SYNDROME; ARTHROGRYPOSIS MULTIPLEX CONGENITA, NEUROGENIC, WITH AGENESIS OF THE CORPUS CALLOSUM. Identifiers: MedGen C5231494, MONDO:0032903, OMIM 618766.

Submission:

Foundation for Research in Genetics and Endocrinology, FRIGE's Institute of Human Genetics
Classification: Pathogenic for Arthrogryposis multiplex congenita 4, neurogenic, with agenesis of the corpus callosum. Last evaluated: 2021-01-01. Review status: criteria provided, single submitter. Criteria: ACMG Guidelines, 2015. Collection method: clinical testing. Allele origin: germline. Inheritance: Autosomal recessive inheritance. Affected: yes. Observed: 1 homozygote.
Comment: A homozygous deletion in exon 3 of the SCYL2 gene that results in a frameshift and premature truncation of the protein, 9 amino acids downstream to codon 72 was detected. The variant c.214_234del (p.Asp72SerfsTer9) has not been reported in the 1000 genomes and gnomAD databases. The reference region is conserved across species. In summary, the variant meets our criteria to be classified as pathogenic.

NM_017988.6(SCYL2):c.214_234del (p.Asp72_Glu78del)

Gene: SCYL2 (SCY1 like pseudokinase 2; plus strand). Cytogenetic location: 12q23.1.
Variant type: Deletion.
Coding change: c.214_234del on transcript NM_017988.6 (MANE Select); coding-DNA positions 214 to 234, 21 bases deleted (GACAAGTATCAAAAATTTGAA).
Protein change: p.Asp72_Glu78del.
Molecular consequence: inframe deletion. On other transcripts: 5 prime UTR variant (1).
Genome position (GRCh38, 1-based): chr12:100,291,539-100,291,559, GACAAGTATCAAAAATTTGAA deleted. VCF-style (leftmost placement, unchanged base first): chr12-100291538-TGACAAGTATCAAAAATTTGAA-T. GRCh37 (hg19) VCF-style: chr12-100685316-TGACAAGTATCAAAAATTTGAA-T.
Other names: p.Asp72SerfsTer9; c.214_234del, p.Asp72_Glu78del (NM_001317784.2, NM_001330253.2, NM_001330254.2); c.-442_-422del (NM_001330256.2).
Identifiers: ClinVar variation 2445467 (VCV002445467.2), dbSNP rs2500017861, ClinGen allele CA2580085595.